The following is an entry in ClinVar:

ClinVar aggregate classification (germline): Uncertain significance. Review status: criteria provided, multiple submitters, no conflicts (2 of 4 stars). 2 submissions from 2 submitters: Uncertain significance (2). Last evaluated 2024-12-20.

Conditions:
Inborn genetic diseases. Identifiers: MedGen C0950123, MeSH D030342.

Allele frequency attached by ClinVar (database versions not stated): gnomAD 0.00001; TOPMed 0.00001.

Submissions (2):

Ambry Genetics
Classification: Uncertain significance for Inborn genetic diseases. Last evaluated: 2024-12-20. Review status: criteria provided, single submitter. Criteria: Ambry Variant Classification Scheme 2023. Collection method: clinical testing. Allele origin: germline.

Labcorp Genetics (formerly Invitae), Labcorp
Classification: Uncertain significance. Last evaluated: 2023-05-08. Review status: criteria provided, single submitter. Criteria: Invitae Variant Classification Sherloc (09022015). Collection method: clinical testing. Allele origin: germline.
Comment: In summary, the available evidence is currently insufficient to determine the role of this variant in disease. Therefore, it has been classified as a Variant of Uncertain Significance. Advanced modeling of protein sequence and biophysical properties (such as structural, functional, and spatial information, amino acid conservation, physicochemical variation, residue mobility, and thermodynamic stability) performed at Invitae indicates that this missense variant is not expected to disrupt CDHR1 protein function. ClinVar contains an entry for this variant (Variation ID: 1970936). This variant has not been reported in the literature in individuals affected with CDHR1-related conditions. This variant is not present in population databases (gnomAD no frequency). This sequence change replaces arginine, which is basic and polar, with glycine, which is neutral and non-polar, at codon 2 of the CDHR1 protein (p.Arg2Gly).

NM_033100.4(CDHR1):c.4A>G (p.Arg2Gly)

Gene: CDHR1 (cadherin related family member 1; plus strand). Cytogenetic location: 10q23.1.
Variant type: single nucleotide variant.
Coding change: c.4A>G on transcript NM_033100.4 (MANE Select); coding-DNA position 4, A replaced by G.
Protein change: p.Arg2Gly; replaces arginine 2 with glycine.
Molecular consequence: missense variant.
Genome position (GRCh38, 1-based): chr10:84,194,764, A>G. VCF-style: chr10-84194764-A-G. GRCh37 (hg19) VCF-style: chr10-85954520-A-G.
Other names: c.4A>G, p.Arg2Gly (NM_001171971.3); c.4A>G (NM_033100.2); short protein forms R2G.
Identifiers: ClinVar variation 1970936 (VCV001970936.6), dbSNP rs758703125, ClinGen allele CA210376373.